The following is an entry in ClinVar:

NM_001145809.2(MYH14):c.2331C>T (p.Ile777=)

Gene: MYH14 (myosin heavy chain 14; plus strand). Cytogenetic location: 19q13.33.
Variant type: single nucleotide variant.
Coding change: c.2331C>T on transcript NM_001145809.2 (MANE Select); coding-DNA position 2331, C replaced by T.
Protein change: p.Ile777=; no amino-acid change (isoleucine 777 retained).
Molecular consequence: synonymous variant.
Genome position (GRCh38, 1-based): chr19:50,259,242, C>T. VCF-style: chr19-50259242-C-T. GRCh37 (hg19) VCF-style: chr19-50762499-C-T.
Other names: c.2331C>T (NM_001145809.1); c.2232C>T, p.Ile744= (NM_001077186.2); c.2208C>T, p.Ile736= (NM_024729.4).
Identifiers: ClinVar variation 892827 (VCV000892827.36), dbSNP rs746261612, ClinGen allele CA9592853.
Genomic context (GRCh38, chr19:50,259,242, plus strand): 5'-TCGCTGCAACGGGGTCCTGGAGGGCATCCGCATCTGTCGCCAGGGCTTCCCCAACCGCAT[C>T]CTCTTCCAGGAGTTCCGGCAGCGGTGAGCTAGAGCGAGGGCCCAGGCCCGGCGGAGGGGC-3'
Protein context (NP_001139281.1, residues 767-787): RICRQGFPNR[Ile777=]LFQEFRQRYE

ClinVar aggregate classification (germline): Conflicting classifications of pathogenicity. Review status: criteria provided, conflicting classifications (1 of 4 stars). 6 submissions from 6 submitters: Uncertain significance (1); Benign (2); Likely benign (3). Last evaluated 2025-12-01.

Conditions:
MYH14-related disorder. Also called: MYH14-related condition.
Autosomal dominant nonsyndromic hearing loss 4A. Also called: Deafness, autosomal dominant 4A. Identifiers: Orphanet 90635, MedGen C1833503, MONDO:0010915, OMIM 600652.

Allele frequency attached by ClinVar (database versions not stated): TOPMed 0.00013; gnomAD 0.00014 and 0.00015; 1000 Genomes Project 30x 0.00016; gnomAD exomes 0.00018; ExAC 0.00035.
gnomAD v4.1: 178 of 1,587,264 alleles (0.011%); highest among the groups gnomAD compares: Middle Eastern, 0.017%; no homozygotes.

Submissions (6):

Labcorp Genetics (formerly Invitae), Labcorp
Classification: Benign. Last evaluated: 2025-12-01. Review status: criteria provided, single submitter. Criteria: Invitae Variant Classification Sherloc (09022015). Collection method: clinical testing. Allele origin: germline.

PreventionGenetics, part of Exact Sciences
Classification: Likely benign for MYH14-related condition. Last evaluated: 2025-06-18. Review status: criteria provided, single submitter. Criteria: ACMG Guidelines, 2015. Collection method: clinical testing. Allele origin: germline.
Comment: This variant is classified as likely benign based on ACMG/AMP sequence variant interpretation guidelines (Richards et al. 2015 PMID: 25741868, with internal and published modifications).

Women's Health and Genetics/Laboratory Corporation of America, LabCorp
Classification: Benign. Last evaluated: 2025-04-02. Review status: criteria provided, single submitter. Criteria: LabCorp Variant Classification Summary - May 2015. Collection method: clinical testing. Allele origin: germline.

Blueprint Genetics
Classification: Likely benign. Last evaluated: 2024-09-17. Review status: criteria provided, single submitter. Criteria: ACMG Guidelines, 2015. Collection method: clinical testing. Allele origin: germline.

CeGaT Center for Human Genetics Tuebingen
Classification: Likely benign. Last evaluated: 2023-04-01. Review status: criteria provided, single submitter. Criteria: CeGaT Center For Human Genetics Tuebingen Variant Classification Criteria Version 2. Collection method: clinical testing. Allele origin: germline. Affected: yes. Observed: 2 variant alleles.
Comment: MYH14: BP4, BP7

Illumina Laboratory Services, Illumina
Classification: Uncertain significance for Autosomal dominant nonsyndromic hearing loss 4A. Last evaluated: 2018-01-13. Review status: criteria provided, single submitter. Criteria: ICSL Variant Classification Criteria 13 December 2019. Collection method: clinical testing. Allele origin: germline.